The following is an entry in ClinVar:

NM_015599.3(PGM3):c.-2-208A>G

Gene: PGM3 (phosphoglucomutase 3; minus strand). Cytogenetic location: 6q14.1.
Variant type: single nucleotide variant.
Coding change: c.-2-208A>G on transcript NM_015599.3 (MANE Select); 208 bases into the intron before 2 bases upstream of the start codon, A replaced by G.
Molecular consequence: intron variant. On other transcripts: missense variant (2).
Genome position (GRCh38, 1-based): chr6:83,191,222, T>C on the plus strand (A>G on the coding strand, the complement: PGM3 is on the minus strand). VCF-style: chr6-83191222-T-C. GRCh37 (hg19) VCF-style: chr6-83900941-T-C.
Other names: c.-2-208A>G (LRG_1312t1, NM_001367286.1, NM_001199919.2); c.47A>G, p.Gln16Arg (NM_001199917.2, NM_001367287.1); c.-40+1957A>G (NM_001199918.2); short protein forms Q16R.
Identifiers: ClinVar variation 662797 (VCV000662797.4), dbSNP rs1162624008, ClinGen allele CA364854530.

ClinVar aggregate classification (germline): Uncertain significance (1 of 4 stars; one submission).

Conditions:
Immunodeficiency 23 (IMD23). Also called: IMMUNODEFICIENCY WITH HYPER IgE AND COGNITIVE IMPAIRMENT; IMMUNODEFICIENCY-VASCULITIS-MYOCLONUS SYNDROME. Identifiers: Orphanet 443811, MedGen C4014371, MONDO:0014353, OMIM 615816.

Allele frequency attached by ClinVar (database versions not stated): gnomAD exomes 0.00002; TOPMed 0.00002; gnomAD 0.00003 and 0.00004.
gnomAD v4.1: 28 of 1,535,304 alleles (0.0018%); highest among the groups gnomAD compares: Non-Finnish European, 0.0024%; no homozygotes.

Submission:

Labcorp Genetics (formerly Invitae), Labcorp
Classification: Uncertain significance for Immunodeficiency 23. Last evaluated: 2022-09-07. Review status: criteria provided, single submitter. Criteria: Invitae Variant Classification Sherloc (09022015). Collection method: clinical testing. Allele origin: germline.
Comment: This sequence change replaces glutamine, which is neutral and polar, with arginine, which is basic and polar, at codon 16 of the PGM3 protein (p.Gln16Arg). This variant is present in population databases (no rsID available, gnomAD 0.007%). This variant has not been reported in the literature in individuals affected with PGM3-related conditions. ClinVar contains an entry for this variant (Variation ID: 662797). Algorithms developed to predict the effect of missense changes on protein structure and function are either unavailable or do not agree on the potential impact of this missense change (SIFT: "Deleterious"; PolyPhen-2: "Benign"; Align-GVGD: "Class C0"). In summary, the available evidence is currently insufficient to determine the role of this variant in disease. Therefore, it has been classified as a Variant of Uncertain Significance.